The following is an entry in ClinVar:

ClinVar aggregate classification (germline): Conflicting classifications of pathogenicity. Review status: criteria provided, conflicting classifications (1 of 4 stars). 13 submissions from 13 submitters: Pathogenic (9); Likely pathogenic (1); Uncertain significance (1). 2 of the submissions do not count toward it. Last evaluated 2026-09-10.

Conditions:
Severe early-childhood-onset retinal dystrophy (STGD1). Also called: MACULAR DYSTROPHY WITH FLECKS, TYPE 1; STGD; Stargardt macular dystrophy; Juvenile onset macular degeneration; Stargardt disease 1. Identifiers: Orphanet 364055, Orphanet 827, MedGen C1855465, MeSH D000080362, MONDO:0009549, OMIM 248200.
Cone-rod dystrophy 3 (CORD3). Identifiers: Orphanet 1872, MedGen C1858806, MONDO:0011395, OMIM 604116.
Retinitis pigmentosa 19 (RP19). Also called: ABCA4-Related Retinitis Pigmentosa. Identifiers: Orphanet 791, MedGen C1866422, MONDO:0011137, OMIM 601718.
ABCA4-related disorder. Also called: ABCA4-related condition; ABCA4-related disorders. Identifiers: MedGen CN239167.
Retinal dystrophy. Also called: Inherited retinal dystrophy. Identifiers: Orphanet 71862, MedGen C0854723, MeSH D058499, MONDO:0019118, HP:0000556.
Age related macular degeneration 2. Also called: MACULAR DEGENERATION, SENILE; MACULOPATHY, AGE-RELATED, 2; MACULOPATHY, AGE-RELATED. Identifiers: MedGen C3495438, MONDO:0007932, OMIM 153800.
Retinal disorder. Also called: Retinopathy; Retinal disorders; Retinopathies; Retinal Diseases. Identifiers: MedGen C0035309, MONDO:0005283, HP:0000488.

Allele frequency attached by ClinVar (database versions not stated): 1000 Genomes Project 30x 0.00187; gnomAD exomes 0.00024; ExAC 0.00030; gnomAD 0.00083 and 0.00089; ESP Exome Variant Server 0.00085; TOPMed 0.00105; 1000 Genomes Project 0.00160.
gnomAD v4.1: 247 of 1,614,202 alleles (0.015%); highest among the groups gnomAD compares: African/African-American, 0.28%; no homozygotes.

Submissions (13):

PreventionGenetics, part of Exact Sciences
Classification: Pathogenic for ABCA4-related condition. Last evaluated: 2026-09-10. Review status: criteria provided, single submitter. Criteria: ACMG Guidelines, 2015. Collection method: clinical testing. Allele origin: germline.
Comment: The ABCA4 c.2966T>C variant is predicted to result in the amino acid substitution p.Val989Ala. This variant has been reported many times in individuals with Stargardt disease or ABCA4-related retinal disease (see for examples: Briggs et al. 2001. PubMed ID: 11527935; Cideciyan et al. 2012. PubMed ID: 22247458; Table S1, Lin et al. 2024. PubMed ID: 38219857). This variant is present in 0.30% of alleles in individuals of African descent in gnomAD, indicating it is relatively common in this population. This variant has been consistently classified as pathogenic in the ClinVar database (Variation ID: 99180). Given the evidence, we interpret this variant as pathogenic.

Genetics Laboratory, Great Ormond Street Hospital NHS Foundation Trust, North Thames Genomic Laboratory Hub
Classification: Pathogenic for Retinal disorders. Last evaluated: 2026-02-03. Review status: criteria provided, single submitter. Criteria: ACGS Best Practice Guidelines for Variant Classification in Rare Disease 2024 v1.2. Collection method: clinical testing. Allele origin: germline. Affected: yes.
Comment: PM2_moderate, PP3_supporting, PM3_very-strong

Labcorp Genetics (formerly Invitae), Labcorp
Classification: Pathogenic. Last evaluated: 2026-01-19. Review status: criteria provided, single submitter. Criteria: Invitae Variant Classification Sherloc (09022015). Collection method: clinical testing. Allele origin: germline.
Comment: This sequence change replaces valine, which is neutral and non-polar, with alanine, which is neutral and non-polar, at codon 989 of the ABCA4 protein (p.Val989Ala). This variant is present in population databases (rs61749454, gnomAD 0.3%). This missense change has been observed in individual(s) with ABCA4-related retinal disease (PMID: 22247458, 23755871, 25066811, 28327576; internal data). In at least one individual the data is consistent with being in trans (on the opposite chromosome) from a pathogenic variant. It has also been observed to segregate with disease in related individuals. ClinVar contains an entry for this variant (Variation ID: 99180). Invitae Evidence Modeling of protein sequence and biophysical properties (such as structural, functional, and spatial information, amino acid conservation, physicochemical variation, residue mobility, and thermodynamic stability) indicates that this missense variant is expected to disrupt ABCA4 protein function with a positive predictive value of 95%. This variant disrupts the p.Val989 amino acid residue in ABCA4. Other variant(s) that disrupt this residue have been observed in individuals with ABCA4-related conditions (PMID: 29641573), which suggests that this may be a clinically significant amino acid residue. For these reasons, this variant has been classified as Pathogenic.

GeneDx
Classification: Pathogenic. Last evaluated: 2025-08-20. Review status: criteria provided, single submitter. Criteria: GeneDx Variant Classification Process June 2021. Collection method: clinical testing. Allele origin: germline. Affected: yes.
Comment: In silico analysis supports that this missense variant has a deleterious effect on protein structure/function; This variant is associated with the following publications: (PMID: 15161829, 22863181, 19406377, 35120629, 31964843, 32307445, 32531858, 11328725, 14517951, 25066811, 16123440, 12397427, 29126757, 29925512, 24550365, 28327576, 31980526, 32581362, 35119454, 35076026, 22247458, 11527935, 38309476, 39061682)

First Genomix Gene Laboratory, Genetic Diagnostics Department
Classification: Pathogenic for Cone-rod dystrophy 3; Severe early-childhood-onset retinal dystrophy; Retinitis pigmentosa 19. Last evaluated: 2025-08-05. Review status: criteria provided, single submitter. Criteria: ACMG Guidelines, 2015. Collection method: clinical testing. Allele origin: germline. Inheritance: Autosomal recessive inheritance. Affected: no. Observed: 1 variant allele.

Revvity Omics, Revvity
Classification: Pathogenic. Last evaluated: 2025-04-04. Review status: criteria provided, single submitter. Criteria: ACMG Guidelines, 2015. Collection method: clinical testing. Allele origin: germline.

Blueprint Genetics
Classification: Pathogenic for ABCA4-related disorders. Last evaluated: 2024-07-16. Review status: criteria provided, single submitter. Criteria: ACMG Guidelines, 2015. Collection method: clinical testing. Allele origin: germline. Affected: yes. Observed: 5 variant alleles.

Fulgent Genetics
Classification: Pathogenic for Age related macular degeneration 2; Severe early-childhood-onset retinal dystrophy; Retinitis pigmentosa 19; Cone-rod dystrophy 3. Last evaluated: 2024-04-02. Review status: criteria provided, single submitter. Criteria: ACMG Guidelines, 2015. Collection method: clinical testing. Allele origin: germline.

Institute of Human Genetics, Univ. Regensburg, Univ. Regensburg
Classification: Likely pathogenic for Retinal dystrophy. Last evaluated: 2022-01-01. Review status: criteria provided, single submitter. Criteria: ACMG Guidelines, 2015. Collection method: clinical testing. Allele origin: germline. Affected: yes.

CeGaT Center for Human Genetics Tuebingen
Classification: Pathogenic. Last evaluated: 2018-09-01. Review status: criteria provided, single submitter. Criteria: CeGaT Center For Human Genetics Tuebingen Variant Classification Criteria Version 2. Collection method: clinical testing. Allele origin: germline. Affected: yes. Observed: 1 variant allele.

Eurofins Ntd Llc (ga)
Classification: Uncertain significance. Last evaluated: 2016-02-22. Review status: criteria provided, single submitter. Criteria: EGL Classification Definitions 2015. Collection method: clinical testing. Allele origin: germline. Observed: 2 variant alleles, 2 heterozygotes.

NIHR Bioresource Rare Diseases, University of Cambridge
Classification: Likely pathogenic. Last evaluated: 2015-01-01. Review status: no assertion criteria provided. Collection method: research. Allele origin: unknown. Affected: yes. Observed: 1 variant allele. Not counted in ClinVar's aggregate classification.

Retina International
No classification provided. Review status: no classification provided. Collection method: not provided. Allele origin: not provided. Not counted in ClinVar's aggregate classification.

Literature cited by the submitters: PubMed 22247458 (cited by Labcorp Genetics (formerly Invitae), Labcorp); PubMed 23755871 (cited by Labcorp Genetics (formerly Invitae), Labcorp and Eurofins Ntd Llc (ga)); PubMed 25066811 (cited by Labcorp Genetics (formerly Invitae), Labcorp and Eurofins Ntd Llc (ga)); PubMed 28327576 (cited by Labcorp Genetics (formerly Invitae), Labcorp); PubMed 29641573 (cited by Labcorp Genetics (formerly Invitae), Labcorp); PubMed 11527935 (cited by 3 submitters); PubMed 29925512 (cited by Institute of Human Genetics, Univ. Regensburg, Univ. Regensburg); PubMed 31964843 (cited by Institute of Human Genetics, Univ. Regensburg, Univ. Regensburg); PubMed 31980526 (cited by Institute of Human Genetics, Univ. Regensburg, Univ. Regensburg); PubMed 32307445 (cited by Institute of Human Genetics, Univ. Regensburg, Univ. Regensburg); PubMed 32581362 (cited by Institute of Human Genetics, Univ. Regensburg, Univ. Regensburg); PubMed 32531858 (cited by Institute of Human Genetics, Univ. Regensburg, Univ. Regensburg); PubMed 35119454 (cited by Institute of Human Genetics, Univ. Regensburg, Univ. Regensburg); PubMed 35076026 (cited by Institute of Human Genetics, Univ. Regensburg, Univ. Regensburg); PubMed 11328725 (cited by Eurofins Ntd Llc (ga)); PubMed 14517951 (cited by Eurofins Ntd Llc (ga)); PubMed 22328824 (cited by Eurofins Ntd Llc (ga)); PubMed 22863181 (cited by Eurofins Ntd Llc (ga)); PubMed 23143460 (cited by Eurofins Ntd Llc (ga)); PubMed 23982839 (cited by Eurofins Ntd Llc (ga)); PubMed 28041643 (cited by NIHR Bioresource Rare Diseases, University of Cambridge).

NM_000350.3(ABCA4):c.2966T>C (p.Val989Ala)

Gene: ABCA4 (ATP binding cassette subfamily A member 4; minus strand). Cytogenetic location: 1p22.1.
Variant type: single nucleotide variant.
Coding change: c.2966T>C on transcript NM_000350.3 (MANE Select); coding-DNA position 2966, T replaced by C.
Protein change: p.Val989Ala; replaces valine 989 with alanine.
Molecular consequence: missense variant.
Genome position (GRCh38, 1-based): chr1:94,044,697, A>G on the plus strand (T>C on the coding strand, the complement: ABCA4 is on the minus strand). VCF-style: chr1-94044697-A-G. GRCh37 (hg19) VCF-style: chr1-94510253-A-G.
Other names: c.2744T>C, p.Val915Ala (NM_001425324.1); short protein forms V989A, V915A.
Identifiers: ClinVar variation 99180 (VCV000099180.67), dbSNP rs61749454, ClinGen allele CA227059.